The following is an entry in ClinVar:

ClinVar aggregate classification (germline): Uncertain significance (1 of 4 stars; one submission).

Submission:

Labcorp Genetics (formerly Invitae), Labcorp
Classification: Uncertain significance. Last evaluated: 2022-03-13. Review status: criteria provided, single submitter. Criteria: Invitae Variant Classification Sherloc (09022015). Collection method: clinical testing. Allele origin: germline.
Comment: In summary, the available evidence is currently insufficient to determine the role of this variant in disease. Therefore, it has been classified as a Variant of Uncertain Significance. Algorithms developed to predict the effect of missense changes on protein structure and function are either unavailable or do not agree on the potential impact of this missense change (SIFT: "Not Available"; PolyPhen-2: "Benign"; Align-GVGD: "Not Available"). This variant has not been reported in the literature in individuals affected with LAMB1-related conditions. Information on the frequency of this variant in the gnomAD database is not available, as this variant may be reported differently in the database. This sequence change replaces threonine, which is neutral and polar, with glutamine, which is neutral and polar, at codon 1400 of the LAMB1 protein (p.Thr1400Gln).

NM_002291.3(LAMB1):c.4198_4199delinsCA (p.Thr1400Gln)

Gene: LAMB1 (laminin subunit beta 1; minus strand). Cytogenetic location: 7q31.1.
Variant type: Indel.
Coding change: c.4198_4199delinsCA on transcript NM_002291.3 (MANE Select); coding-DNA positions 4198 to 4199, AC replaced by CA.
Protein change: p.Thr1400Gln; replaces threonine 1400 with glutamine.
Molecular consequence: missense variant.
Genome position (GRCh38, 1-based): chr7:107,932,367-107,932,368, GT replaced by TG on the plus strand (AC replaced by CA on the coding strand, the reverse complement: LAMB1 is on the minus strand). VCF-style: chr7-107932367-GT-TG. GRCh37 (hg19) VCF-style: chr7-107572812-GT-TG.
Other names: short protein forms T1400Q.
Identifiers: ClinVar variation 2111314 (VCV002111314.4), dbSNP rs2535391859, ClinGen allele CA2580076191.
Genomic context (GRCh38, chr7:107,932,367, plus strand): 5'-TCGTCAGTTCTGCAGTTTGGCCCGCCACATTCAGTCTCGGAACAGGAGGCCCCTGGGGGT[GT>TG]TCCACAGGTCTGCAACAAGCCAAGGATCAGGCACAATACTTCGGATAGTGAATCTGCTGC-3'
Protein context (NP_002282.2, residues 1390-1410): LSAAAEMTCG[Thr1400Gln]PPGASCSETE